The following is an entry in ClinVar:

ClinVar aggregate classification (germline): Likely pathogenic (1 of 4 stars; one submission).

Conditions:
Neuronal ceroid lipofuscinosis. Also called: Neuronal Ceroid Lipofuscinoses. Identifiers: Orphanet 216, Orphanet 79263, MedGen C0027877, MONDO:0016295. Disease mechanism: loss of function.

Submission:

Myriad Genetics, Inc.
Classification: Likely pathogenic for Neuronal ceroid lipofuscinosis. Last evaluated: 2022-03-01. Review status: criteria provided, single submitter. Criteria: Myriad Autosomal Dominant, Autosomal Recessive and X-Linked Classification Criteria (2023). Collection method: clinical testing. Allele origin: unknown.
Comment: NM_017882.2(CLN6):c.385dupG(V129Gfs*3) is expected to be pathogenic in the context of neuronal ceroid lipofuscinosis, CLN6-related. This variant is predicted to lead to an abnormal or absent protein product due to the creation of a premature termination codon in CLN6, a gene where loss-of-function variants are known to be pathogenic. Please note: this variant was assessed in the context of healthy population screening.

NM_017882.3(CLN6):c.385dup (p.Val129fs)

Gene: CLN6 (CLN6 transmembrane ER protein; minus strand). Cytogenetic location: 15q23.
Variant type: Duplication.
Coding change: c.385dup on transcript NM_017882.3 (MANE Select); coding-DNA position 385, one base duplicated (G; older notation c.385dupG).
Protein change: p.Val129fs; shifts the reading frame from valine 129.
Molecular consequence: frameshift variant.
Genome position (GRCh38, 1-based): chr15:68,211,776, C duplicated on the plus strand (G on the coding strand, the reverse complement: CLN6 is on the minus strand); the first of 2 consecutive C bases (chr15:68,211,776-68,211,777); duplicating either gives the same sequence. VCF-style (leftmost placement, unchanged base first): chr15-68211775-A-AC. GRCh37 (hg19) VCF-style: chr15-68504113-A-AC.
Other names: c.480dup, p.Val161Glyfs (NM_001411068.1); short protein forms V129fs.
Identifiers: ClinVar variation 1724835 (VCV001724835.3), dbSNP rs2505409424, ClinGen allele CA2580089902.